The following is an entry in ClinVar:

ClinVar aggregate classification (germline): Benign/Likely benign. Review status: criteria provided, multiple submitters, no conflicts (2 of 4 stars). 3 submissions from 3 submitters: Benign (1); Likely benign (2). Last evaluated 2026-01-06.

Allele frequency attached by ClinVar (database versions not stated): 1000 Genomes Project 30x 0.00021; TOPMed 0.00026; gnomAD 0.00029 and 0.00030; gnomAD exomes 0.00036; ExAC 0.00061.
gnomAD v4.1: 390 of 1,082,327 alleles (0.036%); highest among the groups gnomAD compares: Non-Finnish European, 0.039%; no homozygotes.

Submissions (3):

Labcorp Genetics (formerly Invitae), Labcorp
Classification: Benign. Last evaluated: 2026-01-06. Review status: criteria provided, single submitter. Criteria: Invitae Variant Classification Sherloc (09022015). Collection method: clinical testing. Allele origin: germline.

Blueprint Genetics
Classification: Likely benign. Last evaluated: 2024-11-13. Review status: criteria provided, single submitter. Criteria: ACMG Guidelines, 2015. Collection method: clinical testing. Allele origin: germline.

CeGaT Center for Human Genetics Tuebingen
Classification: Likely benign. Last evaluated: 2023-02-01. Review status: criteria provided, single submitter. Criteria: CeGaT Center For Human Genetics Tuebingen Variant Classification Criteria Version 2. Collection method: clinical testing. Allele origin: germline. Affected: yes. Observed: 1 variant allele.
Comment: GPR143: BS2

NM_000273.3(GPR143):c.250+14C>G

Gene: GPR143 (G protein-coupled receptor 143; minus strand). Cytogenetic location: Xp22.2.
Variant type: single nucleotide variant.
Coding change: c.250+14C>G on transcript NM_000273.3 (MANE Select); 14 bases into the intron after coding-DNA position 250, C replaced by G.
Molecular consequence: intron variant.
Genome position (GRCh38, 1-based): chrX:9,765,554, G>C on the plus strand (C>G on the coding strand, the complement: GPR143 is on the minus strand). VCF-style: chrX-9765554-G-C. GRCh37 (hg19) VCF-style: chrX-9733594-G-C.
Identifiers: ClinVar variation 1588578 (VCV001588578.37), dbSNP rs772202855, ClinGen allele CA10345085.